The following is an entry in ClinVar:

NM_018979.4(WNK1):c.2655C>T (p.Ile885=)

Gene: WNK1 (WNK lysine deficient protein kinase 1; plus strand). Cytogenetic location: 12p13.33.
Variant type: single nucleotide variant.
Coding change: c.2655C>T on transcript NM_018979.4 (MANE Select); coding-DNA position 2655, C replaced by T.
Protein change: p.Ile885=; no amino-acid change (isoleucine 885 retained).
Molecular consequence: synonymous variant. On other transcripts: intron variant (3).
Genome position (GRCh38, 1-based): chr12:879,854, C>T. VCF-style: chr12-879854-C-T. GRCh37 (hg19) VCF-style: chr12-989020-C-T.
Other names: c.3867+1493C>T (NM_213655.5); c.3613-867C>T (NM_001184985.2); c.2370+1493C>T (NM_014823.3).
Identifiers: ClinVar variation 4535221 (VCV004535221.6).

ClinVar aggregate classification (germline): Likely benign (1 of 4 stars; one submission).

gnomAD v4.1: 4 of 1,614,048 alleles (0.00025%); highest among the groups gnomAD compares: African/African-American, 0.0013%; no homozygotes.

Submission:

CeGaT Center for Human Genetics Tuebingen
Classification: Likely benign. Last evaluated: 2025-11-01. Review status: criteria provided, single submitter. Criteria: CeGaT Center For Human Genetics Tuebingen Variant Classification Criteria Version 2. Collection method: clinical testing. Allele origin: germline. Affected: yes. Observed: 1 variant allele.
Comment: WNK1: BP4, BP7